The following is an entry in ClinVar:

ClinVar aggregate classification (germline): Uncertain significance (1 of 4 stars; one submission).

Conditions:
Familial thoracic aortic aneurysm and aortic dissection (TAAD). Also called: Thoracic aortic aneurysms and dissections. Identifiers: Orphanet 91387, MedGen C4707243, MONDO:0019625.
Hereditary cancer-predisposing syndrome. Also called: Neoplastic Syndromes, Hereditary; Tumor predisposition; Hereditary neoplastic syndrome; Hereditary Cancer Syndrome. Identifiers: Orphanet 140162, MedGen C0027672, MeSH D009386, MONDO:0015356.

Submission:

Ambry Genetics
Classification: Uncertain significance for Hereditary cancer-predisposing syndrome; Familial thoracic aortic aneurysm and aortic dissection. Last evaluated: 2026-07-07. Review status: criteria provided, single submitter. Criteria: Ambry Variant Classification Scheme 2023. Collection method: clinical testing. Allele origin: germline.
Comment: The p.F329L variant (also known as c.985T>C), located in coding exon 8 of the SMAD4 gene, results from a T to C substitution at nucleotide position 985. The phenylalanine at codon 329 is replaced by leucine, an amino acid with highly similar properties. This amino acid position is conserved. In addition, this alteration is predicted to be deleterious by in silico analysis. Based on the available evidence, the clinical significance of this variant remains unclear.

NM_005359.6(SMAD4):c.985T>C (p.Phe329Leu)

Gene: SMAD4 (SMAD family member 4; plus strand). Cytogenetic location: 18q21.2.
Variant type: single nucleotide variant.
Coding change: c.985T>C on transcript NM_005359.6 (MANE Select); coding-DNA position 985, T replaced by C.
Protein change: p.Phe329Leu; replaces phenylalanine 329 with leucine.
Molecular consequence: missense variant. On other transcripts: non-coding transcript variant (2).
Genome position (GRCh38, 1-based): chr18:51,065,452, T>C. VCF-style: chr18-51065452-T-C. GRCh37 (hg19) VCF-style: chr18-48591822-T-C.
Other names: c.985T>C, p.Phe329Leu (NM_001407041.1, NM_001407042.1, NM_001407043.1); short protein forms F329L.
Identifiers: ClinVar variation 5029742 (VCV005029742.1).